The following is an entry in ClinVar:

NM_016120.4(RLIM):c.1079G>A (p.Arg360Gln)

Gene: RLIM (ring finger protein, LIM domain interacting; minus strand). Cytogenetic location: Xq13.2.
Variant type: single nucleotide variant.
Coding change: c.1079G>A on transcript NM_016120.4 (MANE Select); coding-DNA position 1079, G replaced by A.
Protein change: p.Arg360Gln; replaces arginine 360 with glutamine.
Molecular consequence: missense variant.
Genome position (GRCh38, 1-based): chrX:74,592,236, C>T on the plus strand (G>A on the coding strand, the complement: RLIM is on the minus strand). VCF-style: chrX-74592236-C-T. GRCh37 (hg19) VCF-style: chrX-73812071-C-T.
Other names: c.1079G>A, p.Arg360Gln (NM_183353.3); short protein forms R360Q.
Identifiers: ClinVar variation 674313 (VCV000674313.1), dbSNP rs777427090, ClinGen allele CA10454650.
Genomic context (GRCh38, chrX:74,592,236, plus strand): 5'-CTGACATAGGTTCTCACACCTGCCCGCTCAGAACGTGAAAATGTACGCCTAAAACCTCCT[C>T]GTTCACTTTCATAGGTGACAGTGTTGTTTGGTGTCTGAGACCTAGACCGAGTTCTGCTGG-3'
Protein context (NP_057204.2, residues 350-370): PNNTVTYESE[Arg360Gln]GGFRRTFSRS

ClinVar aggregate classification (germline): Likely benign (1 of 4 stars; one submission).

Allele frequency attached by ClinVar (database versions not stated): gnomAD exomes below 0.00001; ExAC 0.00001.
gnomAD v4.1: 2 of 1,211,857 alleles (0.00017%); highest among the groups gnomAD compares: East Asian, 0.003%; no homozygotes.

Submission:

GeneDx
Classification: Likely benign. Last evaluated: 2019-03-01. Review status: criteria provided, single submitter. Criteria: GeneDx Variant Classification (06012015). Collection method: clinical testing. Allele origin: germline. Affected: yes.
Comment: This variant is considered likely benign or benign based on one or more of the following criteria: it is a conservative change, it occurs at a poorly conserved position in the protein, it is predicted to be benign by multiple in silico algorithms, and/or has population frequency not consistent with disease.